The following is an entry in ClinVar:

NM_001297595.2(SIN3B):c.2649C>T (p.Asn883=)

Gene: SIN3B (SIN3 transcription regulator family member B; plus strand). Cytogenetic location: 19p13.11.
Variant type: single nucleotide variant.
Coding change: c.2649C>T on transcript NM_001297595.2 (MANE Select); coding-DNA position 2649, C replaced by T.
Protein change: p.Asn883=; no amino-acid change (asparagine 883 retained).
Molecular consequence: synonymous variant.
Genome position (GRCh38, 1-based): chr19:16,876,111, C>T. VCF-style: chr19-16876111-C-T. GRCh37 (hg19) VCF-style: chr19-16986922-C-T.
Other names: c.1419C>T, p.Asn473= (NM_001297597.2); c.2745C>T, p.Asn915= (NM_015260.4).
Identifiers: ClinVar variation 4873265 (VCV004873265.2).

ClinVar aggregate classification (germline): Likely benign (1 of 4 stars; one submission).

gnomAD v4.1: 318 of 1,599,580 alleles (0.02%); highest among the groups gnomAD compares: African/African-American, 0.26%; no homozygotes.

Submission:

CeGaT Center for Human Genetics Tuebingen
Classification: Likely benign. Last evaluated: 2026-04-01. Review status: criteria provided, single submitter. Criteria: CeGaT Center For Human Genetics Tuebingen Variant Classification Criteria Version 2. Collection method: clinical testing. Allele origin: germline. Affected: yes. Observed: 1 variant allele.
Comment: SIN3B: BP4, BP7